The following is an entry in ClinVar:

NM_022168.4(IFIH1):c.2359A>C (p.Ile787Leu)

Gene: IFIH1 (interferon induced with helicase C domain 1; minus strand). Cytogenetic location: 2q24.2.
Variant type: single nucleotide variant.
Coding change: c.2359A>C on transcript NM_022168.4 (MANE Select); coding-DNA position 2359, A replaced by C.
Protein change: p.Ile787Leu; replaces isoleucine 787 with leucine.
Molecular consequence: missense variant.
Genome position (GRCh38, 1-based): chr2:162,273,890, T>G on the plus strand (A>C on the coding strand, the complement: IFIH1 is on the minus strand). VCF-style: chr2-162273890-T-G. GRCh37 (hg19) VCF-style: chr2-163130400-T-G.
Other names: short protein forms I787L.
Identifiers: ClinVar variation 3753623 (VCV003753623.2).

ClinVar aggregate classification (germline): Uncertain significance (1 of 4 stars; one submission).

Conditions:
Singleton-Merten syndrome 1 (SGMRT1). Also called: Syndrome of widened medullary cavities of the metacarpals and phalanges, aortic calcification and abnormal dentition; Widened medullary cavities of bone, aortic calcification, abnormal dentition, and muscular weakness. Identifiers: Orphanet 85191, MedGen C4225427, MONDO:0024535, OMIM 182250.
Aicardi-Goutieres syndrome 7 (AGS7). Identifiers: Orphanet 51, MedGen C3888244, MONDO:0014367, OMIM 615846.

Submission:

Labcorp Genetics (formerly Invitae), Labcorp
Classification: Uncertain significance for Aicardi-Goutieres syndrome 7; Singleton-Merten syndrome 1. Last evaluated: 2025-05-27. Review status: criteria provided, single submitter. Criteria: Invitae Variant Classification Sherloc (09022015). Collection method: clinical testing. Allele origin: germline.
Comment: This sequence change replaces isoleucine, which is neutral and non-polar, with leucine, which is neutral and non-polar, at codon 787 of the IFIH1 protein (p.Ile787Leu). This variant is not present in population databases (gnomAD no frequency). This variant has not been reported in the literature in individuals affected with IFIH1-related conditions. ClinVar contains an entry for this variant (Variation ID: 3753623). Invitae Evidence Modeling of protein sequence and biophysical properties (such as structural, functional, and spatial information, amino acid conservation, physicochemical variation, residue mobility, and thermodynamic stability) has been performed for this missense variant. However, the output from this modeling did not meet the statistical confidence thresholds required to predict the impact of this variant on IFIH1 protein function. In summary, the available evidence is currently insufficient to determine the role of this variant in disease. Therefore, it has been classified as a Variant of Uncertain Significance.